The following is an entry in ClinVar:

ClinVar aggregate classification (germline): Uncertain significance (1 of 4 stars; one submission).

Allele frequency attached by ClinVar (database versions not stated): TOPMed 0.00001.

Submission:

Labcorp Genetics (formerly Invitae), Labcorp
Classification: Uncertain significance. Last evaluated: 2021-11-03. Review status: criteria provided, single submitter. Criteria: Invitae Variant Classification Sherloc (09022015). Collection method: clinical testing. Allele origin: germline.
Comment: Algorithms developed to predict the effect of missense changes on protein structure and function (SIFT, PolyPhen-2, Align-GVGD) all suggest that this variant is likely to be tolerated. In summary, the available evidence is currently insufficient to determine the role of this variant in disease. Therefore, it has been classified as a Variant of Uncertain Significance. This variant has not been reported in the literature in individuals affected with IMPG2-related conditions. This variant is not present in population databases (gnomAD no frequency). This sequence change replaces leucine, which is neutral and non-polar, with valine, which is neutral and non-polar, at codon 639 of the IMPG2 protein (p.Leu639Val).

NM_016247.4(IMPG2):c.1915C>G (p.Leu639Val)

Gene: IMPG2 (interphotoreceptor matrix proteoglycan 2; minus strand). Cytogenetic location: 3q12.3.
Variant type: single nucleotide variant.
Coding change: c.1915C>G on transcript NM_016247.4 (MANE Select); coding-DNA position 1915, C replaced by G.
Protein change: p.Leu639Val; replaces leucine 639 with valine.
Molecular consequence: missense variant.
Genome position (GRCh38, 1-based): chr3:101,244,416, G>C on the plus strand (C>G on the coding strand, the complement: IMPG2 is on the minus strand). VCF-style: chr3-101244416-G-C. GRCh37 (hg19) VCF-style: chr3-100963260-G-C.
Other names: short protein forms L639V.
Identifiers: ClinVar variation 1505221 (VCV001505221.4), dbSNP rs758931887, ClinGen allele CA79723460.